The following is an entry in ClinVar:

ClinVar aggregate classification (germline): Uncertain significance (1 of 4 stars; one submission).

Submission:

GeneDx
Classification: Uncertain significance. Last evaluated: 2025-03-10. Review status: criteria provided, single submitter. Criteria: GeneDx Variant Classification Process June 2021. Collection method: clinical testing. Allele origin: germline. Affected: yes.
Comment: Not observed at significant frequency in large population cohorts (gnomAD); In silico analysis indicates that this missense variant does not alter protein structure/function; Has not been previously published as pathogenic or benign to our knowledge

NM_012330.4(KAT6B):c.4182A>T (p.Glu1394Asp)

Gene: KAT6B (lysine acetyltransferase 6B; plus strand). Cytogenetic location: 10q22.2.
Variant type: single nucleotide variant.
Coding change: c.4182A>T on transcript NM_012330.4 (MANE Select); coding-DNA position 4182, A replaced by T.
Protein change: p.Glu1394Asp; replaces glutamic acid 1394 with aspartic acid.
Molecular consequence: missense variant.
Genome position (GRCh38, 1-based): chr10:75,029,006, A>T. VCF-style: chr10-75029006-A-T. GRCh37 (hg19) VCF-style: chr10-76788764-A-T.
Other names: c.3633A>T, p.Glu1211Asp (NM_001256468.2, NM_001370138.1); c.3306A>T, p.Glu1102Asp (NM_001256469.2, NM_001370139.1, NM_001370140.1 and 2 more transcripts); c.3144A>T, p.Glu1048Asp (NM_001370132.1); c.2493A>T, p.Glu831Asp (NM_001370133.1); c.2097A>T, p.Glu699Asp (NM_001370134.1); c.1839A>T, p.Glu613Asp (NM_001370135.1); c.4182A>T, p.Glu1394Asp (NM_001370136.1, NM_001370137.1); c.3117A>T, p.Glu1039Asp (NM_001370143.1, NM_001370144.1); short protein forms E1039D, E1048D, E1102D, E1211D, E1394D, E613D, E699D, E831D.
Identifiers: ClinVar variation 4082797 (VCV004082797.1).